The following is an entry in ClinVar:

ClinVar aggregate classification (germline): Uncertain significance (1 of 4 stars; one submission).

Conditions:
Neuronal ceroid lipofuscinosis. Also called: Neuronal Ceroid Lipofuscinoses. Identifiers: Orphanet 216, Orphanet 79263, MedGen C0027877, MONDO:0016295. Disease mechanism: loss of function.

Submission:

Labcorp Genetics (formerly Invitae), Labcorp
Classification: Uncertain significance for Neuronal ceroid lipofuscinosis. Last evaluated: 2022-03-22. Review status: criteria provided, single submitter. Criteria: Invitae Variant Classification Sherloc (09022015). Collection method: clinical testing. Allele origin: germline.
Comment: This sequence change replaces threonine, which is neutral and polar, with arginine, which is basic and polar, at codon 296 of the CTSD protein (p.Thr296Arg). In summary, the available evidence is currently insufficient to determine the role of this variant in disease. Therefore, it has been classified as a Variant of Uncertain Significance. Algorithms developed to predict the effect of missense changes on protein structure and function (SIFT, PolyPhen-2, Align-GVGD) all suggest that this variant is likely to be disruptive. This variant has not been reported in the literature in individuals affected with CTSD-related conditions. This variant is not present in population databases (gnomAD no frequency).

NM_001909.5(CTSD):c.887C>G (p.Thr296Arg)

Gene: CTSD (cathepsin D; minus strand). Cytogenetic location: 11p15.5.
Variant type: single nucleotide variant.
Coding change: c.887C>G on transcript NM_001909.5 (MANE Select); coding-DNA position 887, C replaced by G.
Protein change: p.Thr296Arg; replaces threonine 296 with arginine.
Molecular consequence: missense variant.
Genome position (GRCh38, 1-based): chr11:1,754,079, G>C on the plus strand (C>G on the coding strand, the complement: CTSD is on the minus strand). VCF-style: chr11-1754079-G-C. GRCh37 (hg19) VCF-style: chr11-1775309-G-C.
Other names: short protein forms T296R.
Identifiers: ClinVar variation 2113360 (VCV002113360.4), dbSNP rs2493817064, ClinGen allele CA379093962.